The following is an entry in ClinVar:

NM_001317778.2(SFTPC):c.351T>G (p.Pro117=)

Gene: SFTPC (surfactant protein C; plus strand). Cytogenetic location: 8p21.3.
Variant type: single nucleotide variant.
Coding change: c.351T>G on transcript NM_001317778.2 (MANE Select); coding-DNA position 351, T replaced by G.
Protein change: p.Pro117=; no amino-acid change (proline 117 retained).
Molecular consequence: synonymous variant.
Genome position (GRCh38, 1-based): chr8:22,163,462, T>G. VCF-style: chr8-22163462-T-G. GRCh37 (hg19) VCF-style: chr8-22020975-T-G.
Other names: c.351T>G, p.Pro117= (NM_001172357.2, NM_001172410.2, NM_001317780.2 and 1 more transcripts); c.192T>G, p.Pro64= (NM_001317779.2).
Identifiers: ClinVar variation 362558 (VCV000362558.15), dbSNP rs35457216, ClinGen allele CA4663988.
Genomic context (GRCh38, chr8:22,163,462, plus strand): 5'-GACCCCCGAATGATCTCCAGCATTCTGTGCCTAGCTGCTGATCGCCTACAAGCCAGCCCC[T>G]GGCACCTGCTGCTACATCATGAAGATAGCTCCAGAGAGCATCCCCAGTCTTGAGGCTCTC-3'
Protein context (NP_001304707.1, residues 107-127): QQLLIAYKPA[Pro117=]GTCCYIMKIA

ClinVar aggregate classification (germline): Benign/Likely benign. Review status: criteria provided, multiple submitters, no conflicts (2 of 4 stars). 5 submissions from 4 submitters: Benign (4); Likely benign (1). Last evaluated 2026-01-23.

Conditions:
Hereditary pulmonary alveolar proteinosis. Also called: Pulmonary surfactant metabolism dysfunction. Identifiers: Orphanet 264675, MedGen C3711368, MONDO:0012580.
Surfactant metabolism dysfunction, pulmonary, 2 (SMDP2). Also called: DESQUAMATIVE INTERSTITIAL PNEUMONITIS DUE TO SURFACTANT PROTEIN C DEFICIENCY; INTERSTITIAL LUNG DISEASE DUE TO SURFACTANT PROTEIN C DEFICIENCY; PULMONARY ALVEOLAR PROTEINOSIS, CONGENITAL, 2. Identifiers: Orphanet 440392, MedGen C1970470, MONDO:0024465, OMIM 610913.
Interstitial lung disease 2 (ILD2). Also called: FIBROCYSTIC PULMONARY DYSPLASIA; FIBROSING ALVEOLITIS, CRYPTOGENIC; Familial idiopathic pulmonary fibrosis. Identifiers: Orphanet 2032, Orphanet 79126, MedGen C5561926, MONDO:0800497, OMIM 178500, MONDO:0800029.

Allele frequency attached by ClinVar (database versions not stated): TOPMed 0.00656; 1000 Genomes Project 0.00779; ESP Exome Variant Server 0.00605; 1000 Genomes Project 30x 0.00781.
gnomAD v4.1: 1,704 of 1,614,062 alleles (0.11%); highest among the groups gnomAD compares: African/African-American, 2.1%; 19 homozygotes.

Submissions (5):

Labcorp Genetics (formerly Invitae), Labcorp
Classification: Benign. Last evaluated: 2026-01-23. Review status: criteria provided, single submitter. Criteria: Invitae Variant Classification Sherloc (09022015). Collection method: clinical testing. Allele origin: germline.

Illumina Laboratory Services, Illumina
Classification: Benign for Idiopathic fibrosing alveolitis, chronic form. Last evaluated: 2018-01-13. Review status: criteria provided, single submitter. Criteria: ICSL Variant Classification Criteria 13 December 2019. Collection method: clinical testing. Allele origin: germline.
Comment: This variant was observed in the ICSL laboratory as part of a predisposition screen in an ostensibly healthy population. It had not been previously curated by ICSL or reported in the Human Gene Mutation Database (HGMD: prior to June 1st, 2018), and was therefore a candidate for classification through an automated scoring system. Utilizing variant allele frequency, disease prevalence and penetrance estimates, and inheritance mode, an automated score was calculated to assess if this variant is too frequent to cause the disease. Based on the score and internal cut-off values, a variant classified as benign is not then subjected to further curation. The score for this variant resulted in a classification of benign for this disease.

Illumina Laboratory Services, Illumina
Classification: Benign for Surfactant metabolism dysfunction, pulmonary, 2. Last evaluated: 2018-01-13. Review status: criteria provided, single submitter. Criteria: ICSL Variant Classification Criteria 13 December 2019. Collection method: clinical testing. Allele origin: germline.
Comment: the same text as in the submission from Illumina Laboratory Services, Illumina above.

Ambry Genetics
Classification: Likely benign for Hereditary pulmonary alveolar proteinosis. Last evaluated: 2017-08-08. Review status: criteria provided, single submitter. Criteria: Ambry Variant Classification Scheme 2023. Collection method: clinical testing. Allele origin: germline.

Breakthrough Genomics
Classification: Benign. Review status: criteria provided, single submitter. Criteria: ACMG Guidelines, 2015. Collection method: not provided. Allele origin: germline. Inheritance: Autosomal dominant inheritance. Affected: yes.